The following is an entry in ClinVar:

ClinVar aggregate classification (germline): Benign. Review status: criteria provided, multiple submitters, no conflicts (2 of 4 stars). 3 submissions from 3 submitters: Benign (3). Last evaluated 2026-02-04.

Allele frequency attached by ClinVar (database versions not stated): ESP Exome Variant Server 0.06405; TOPMed 0.08655; 1000 Genomes Project 30x 0.12555; 1000 Genomes Project 0.12620.
gnomAD v4.1: 53,236 of 1,499,994 alleles (3.5%); highest among the groups gnomAD compares: East Asian, 22%; 3,268 homozygotes.

Submissions (15):

Labcorp Genetics (formerly Invitae), Labcorp
Classification: Benign. Last evaluated: 2026-02-04. Review status: criteria provided, single submitter. Criteria: Invitae Variant Classification Sherloc (09022015). Collection method: clinical testing. Allele origin: germline.

Unidad de Genómica Garrahan, Hospital de Pediatría Garrahan
Classification: Benign. Last evaluated: 2023-11-12. Review status: criteria provided, single submitter. Criteria: ACMG Guidelines, 2015. Collection method: clinical testing. Allele origin: germline. Affected: no. Observed: 23 variant alleles.
Comment: This variant is classified as Benign based on local population frequency. This variant was detected in 24% of patients studied by a panel of primary immunodeficiencies. Number of patients: 23. Only high quality variants are reported.

Breakthrough Genomics
Classification: Benign. Review status: criteria provided, single submitter. Criteria: ACMG Guidelines, 2015. Collection method: not provided. Allele origin: germline. Inheritance: Unknown mechanism. Affected: yes.

Dr. Peter K. Rogan Lab, Western University
No classification provided (evidence only). Condition: Lung cancer. Review status: no classification provided. Collection method: in vitro. Allele origin: not applicable. Functional consequence: retained intron. Not counted in ClinVar's aggregate classification.

Dr. Peter K. Rogan Lab, Western University
No classification provided (evidence only). Condition: Lung cancer. Review status: no classification provided. Collection method: in vitro. Allele origin: not applicable. Functional consequence: retained intron. Not counted in ClinVar's aggregate classification.

Dr. Peter K. Rogan Lab, Western University
No classification provided (evidence only). Condition: Acute myeloid leukemia. Review status: no classification provided. Collection method: in vitro. Allele origin: not applicable. Functional consequence: retained intron. Not counted in ClinVar's aggregate classification.

Dr. Peter K. Rogan Lab, Western University
No classification provided (evidence only). Condition: Acute myeloid leukemia. Review status: no classification provided. Collection method: in vitro. Allele origin: not applicable. Functional consequence: retained intron. Not counted in ClinVar's aggregate classification.

Dr. Peter K. Rogan Lab, Western University
No classification provided (evidence only). Condition: Sarcoma. Review status: no classification provided. Collection method: in vitro. Allele origin: not applicable. Functional consequence: retained intron. Not counted in ClinVar's aggregate classification.

Dr. Peter K. Rogan Lab, Western University
No classification provided (evidence only). Condition: Sarcoma. Review status: no classification provided. Collection method: in vitro. Allele origin: not applicable. Functional consequence: retained intron. Not counted in ClinVar's aggregate classification.

Dr. Peter K. Rogan Lab, Western University
No classification provided (evidence only). Condition: Malignant lymphoma, large B-cell, diffuse. Review status: no classification provided. Collection method: in vitro. Allele origin: not applicable. Functional consequence: retained intron. Not counted in ClinVar's aggregate classification.

Dr. Peter K. Rogan Lab, Western University
No classification provided (evidence only). Condition: Malignant lymphoma, large B-cell, diffuse. Review status: no classification provided. Collection method: in vitro. Allele origin: not applicable. Functional consequence: retained intron. Not counted in ClinVar's aggregate classification.

Dr. Peter K. Rogan Lab, Western University
No classification provided (evidence only). Condition: Thymoma. Review status: no classification provided. Collection method: in vitro. Allele origin: not applicable. Functional consequence: retained intron. Not counted in ClinVar's aggregate classification.

Dr. Peter K. Rogan Lab, Western University
No classification provided (evidence only). Condition: Thymoma. Review status: no classification provided. Collection method: in vitro. Allele origin: not applicable. Functional consequence: retained intron. Not counted in ClinVar's aggregate classification.

Dr. Peter K. Rogan Lab, Western University
No classification provided (evidence only). Condition: Cholangiocarcinoma. Review status: no classification provided. Collection method: in vitro. Allele origin: not applicable. Functional consequence: retained intron. Not counted in ClinVar's aggregate classification.

Dr. Peter K. Rogan Lab, Western University
No classification provided (evidence only). Condition: Uveal melanoma. Review status: no classification provided. Collection method: in vitro. Allele origin: not applicable. Functional consequence: retained intron. Not counted in ClinVar's aggregate classification.

NM_001374259.2(IL12RB2):c.1259-7G>A

Gene: IL12RB2 (interleukin 12 receptor subunit beta 2; plus strand). Cytogenetic location: 1p31.3.
Variant type: single nucleotide variant.
Coding change: c.1259-7G>A on transcript NM_001374259.2 (MANE Select); 7 bases into the intron before coding-DNA position 1259, G replaced by A.
Molecular consequence: intron variant.
Genome position (GRCh38, 1-based): chr1:67,367,818, G>A. VCF-style: chr1-67367818-G-A. GRCh37 (hg19) VCF-style: chr1-67833501-G-A.
Other names: c.1259-7G>A (NM_001258214.1, NM_001319233.1, NM_001258216.1 and 2 more transcripts).
Identifiers: ClinVar variation 1169793 (VCV001169793.13), dbSNP rs2252596, ClinGen allele CA900453.